The following is an entry in ClinVar:

NM_001348768.2(HECW2):c.570A>G (p.Ser190=)

Gene: HECW2 (HECT, C2 and WW domain containing E3 ubiquitin protein ligase 2; minus strand). Cytogenetic location: 2q32.3.
Variant type: single nucleotide variant.
Coding change: c.570A>G on transcript NM_001348768.2 (MANE Select); coding-DNA position 570, A replaced by G.
Protein change: p.Ser190=; no amino-acid change (serine 190 retained).
Molecular consequence: synonymous variant. On other transcripts: 5 prime UTR variant (1).
Genome position (GRCh38, 1-based): chr2:196,329,576, T>C on the plus strand (A>G on the coding strand, the complement: HECW2 is on the minus strand). VCF-style: chr2-196329576-T-C. GRCh37 (hg19) VCF-style: chr2-197194300-T-C.
Other names: c.-327A>G (NM_001304840.3); c.570A>G, p.Ser190= (NM_020760.4).
Identifiers: ClinVar variation 4071904 (VCV004071904.1).

ClinVar aggregate classification (germline): Uncertain significance (1 of 4 stars; one submission).

gnomAD v4.1: 2 of 1,612,328 alleles (0.00012%); highest among the groups gnomAD compares: African/African-American, 0.0013%; no homozygotes.

Submission:

GeneDx
Classification: Uncertain significance. Last evaluated: 2025-01-27. Review status: criteria provided, single submitter. Criteria: GeneDx Variant Classification Process June 2021. Collection method: clinical testing. Allele origin: germline. Affected: yes.
Comment: Not observed at significant frequency in large population cohorts (gnomAD); Has not been previously published as pathogenic or benign to our knowledge; In silico analysis is inconclusive as to whether the variant alters gene splicing. In the absence of RNA/functional studies, the actual effect of this sequence change is unknown.